The following is an entry in ClinVar:

NM_006745.5(MSMO1):c.405G>T (p.Trp135Cys)

Gene: MSMO1 (methylsterol monooxygenase 1; plus strand). Cytogenetic location: 4q32.3.
Variant type: single nucleotide variant.
Coding change: c.405G>T on transcript NM_006745.5 (MANE Select); coding-DNA position 405, G replaced by T.
Protein change: p.Trp135Cys; replaces tryptophan 135 with cysteine.
Molecular consequence: missense variant.
Genome position (GRCh38, 1-based): chr4:165,338,652, G>T. VCF-style: chr4-165338652-G-T. GRCh37 (hg19) VCF-style: chr4-166259804-G-T.
Other names: c.12G>T, p.Trp4Cys (NM_001017369.3); c.405G>T, p.Trp135Cys (NM_001440534.1); short protein forms W135C, W4C.
Identifiers: ClinVar variation 4079290 (VCV004079290.2).

ClinVar aggregate classification (germline): Uncertain significance. Review status: criteria provided, multiple submitters, no conflicts (2 of 4 stars). 2 submissions from 2 submitters: Uncertain significance (2). Last evaluated 2024-01-10.

Conditions:
Microcephaly-congenital cataract-psoriasiform dermatitis syndrome. Also called: SC4MOL DEFICIENCY; Microcephaly, congenital cataract, and psoriasiform dermatitis. Identifiers: Orphanet 488168, MedGen C5567510, MONDO:0014793, OMIM 616834.

gnomAD v4.1: 3 of 1,607,712 alleles (0.00019%); highest among the groups gnomAD compares: Non-Finnish European, 0.00026%; no homozygotes.

Submissions (2):

Illumina Laboratory Services, Illumina
Classification: Uncertain significance for Microcephaly-congenital cataract-psoriasiform dermatitis syndrome. Last evaluated: 2024-01-10. Review status: criteria provided, single submitter. Criteria: ISL SNV Classification Criteria 03 February 2026. Collection method: clinical testing. Allele origin: unknown.
Comment: The MSMO1 c.405G>T p.(Trp135Cys) missense variant has not, to our knowledge, been reported in the peer-reviewed literature. This variant is not observed at a significant frequency in version 2.1.1 or version 4.0.0 of the Genome Aggregation Database. Computational evidence suggests the variant may affect splicing, however this has not been verified experimentally. Based on the available evidence, the c.405G>T p.(Trp135Cys) variant is classified as a variant of uncertain significance for microcephaly, congenital cataract, and psoriasiform dermatitis.

Revvity Omics, Revvity
Classification: Uncertain significance for Microcephaly-congenital cataract-psoriasiform dermatitis syndrome. Last evaluated: 2023-12-05. Review status: criteria provided, single submitter. Criteria: ACMG Guidelines, 2015. Collection method: clinical testing. Allele origin: germline.